The following is an entry in ClinVar:

ClinVar aggregate classification (germline): Uncertain significance (1 of 4 stars; one submission).

Allele frequency attached by ClinVar (database versions not stated): TOPMed below 0.00001; gnomAD exomes 0.00001.

Submission:

Labcorp Genetics (formerly Invitae), Labcorp
Classification: Uncertain significance. Last evaluated: 2022-01-15. Review status: criteria provided, single submitter. Criteria: Invitae Variant Classification Sherloc (09022015). Collection method: clinical testing. Allele origin: germline.
Comment: In summary, the available evidence is currently insufficient to determine the role of this variant in disease. Therefore, it has been classified as a Variant of Uncertain Significance. This variant has not been reported in the literature in individuals affected with AK7-related conditions. This variant is present in population databases (rs752126253, gnomAD 0.006%). This sequence change creates a premature translational stop signal (p.Arg179*) in the AK7 gene. It is expected to result in an absent or disrupted protein product. However, the current clinical and genetic evidence is not sufficient to establish whether loss-of-function variants in AK7 cause disease.

NM_152327.5(AK7):c.535C>T (p.Arg179Ter)

Gene: AK7 (adenylate kinase 7; plus strand). Cytogenetic location: 14q32.2.
Variant type: single nucleotide variant.
Coding change: c.535C>T on transcript NM_152327.5 (MANE Select); coding-DNA position 535, C replaced by T.
Protein change: p.Arg179Ter; replaces arginine 179 with a stop codon.
Molecular consequence: nonsense.
Genome position (GRCh38, 1-based): chr14:96,420,858, C>T. VCF-style: chr14-96420858-C-T. GRCh37 (hg19) VCF-style: chr14-96887195-C-T.
Other names: c.535C>T, p.Arg179Ter (NM_001350888.2, NM_001350890.2, NM_001350891.2 and 1 more transcripts); short protein forms R179*.
Identifiers: ClinVar variation 1953215 (VCV001953215.5), dbSNP rs752126253, ClinGen allele CA266048433.